The following is an entry in ClinVar:

ClinVar aggregate classification (germline): Conflicting classifications of pathogenicity. Review status: criteria provided, conflicting classifications (1 of 4 stars). 4 submissions from 4 submitters: Uncertain significance (3); Benign (1). Last evaluated 2026-06-17.

Conditions:
Familial thoracic aortic aneurysm and aortic dissection (TAAD). Also called: Thoracic aortic aneurysms and dissections. Identifiers: Orphanet 91387, MedGen C4707243, MONDO:0019625.
Congenital contractural arachnodactyly (CCA). Also called: Arthrogryposis, distal, type 9; BEALS SYNDROME; Beals-Hecht syndrome. Identifiers: Orphanet 115, MedGen C0220668, MONDO:0007363, OMIM 121050.

Allele frequency attached by ClinVar (database versions not stated): ESP Exome Variant Server 0.00015; gnomAD exomes 0.00004 and 0.00001; ExAC 0.00003; gnomAD 0.00005; TOPMed 0.00005.
gnomAD v4.1: 27 of 1,613,930 alleles (0.0017%); highest among the groups gnomAD compares: African/African-American, 0.011%; no homozygotes.

Submissions (4):

Women's Health and Genetics/Laboratory Corporation of America, LabCorp
Classification: Uncertain significance. Last evaluated: 2026-06-17. Review status: criteria provided, single submitter. Criteria: LabCorp Variant Classification Summary - May 2015. Collection method: clinical testing. Allele origin: germline.
Comment: Variant summary: FBN2 c.1139C>T (p.Pro380Leu) results in a non-conservative amino acid change in the encoded protein sequence. Algorithms developed to predict the effect of missense changes on protein structure and function all suggest that this variant is likely to be disruptive. The variant allele was found at a frequency of 3.6e-05 in 250946 control chromosomes. The available data on variant occurrences in the general population are insufficient to allow any conclusion about variant significance. To our knowledge, no occurrence of c.1139C>T in individuals affected with FBN2-related conditions and no experimental evidence demonstrating its impact on protein function have been reported. ClinVar contains an entry for this variant (Variation ID: 411831). Based on the evidence outlined above, the variant was classified as uncertain significance.

Labcorp Genetics (formerly Invitae), Labcorp
Classification: Benign for Congenital contractural arachnodactyly. Last evaluated: 2025-11-15. Review status: criteria provided, single submitter. Criteria: Invitae Variant Classification Sherloc (09022015). Collection method: clinical testing. Allele origin: germline.

Ambry Genetics
Classification: Uncertain significance for Familial thoracic aortic aneurysm and aortic dissection. Last evaluated: 2025-10-07. Review status: criteria provided, single submitter. Criteria: Ambry Variant Classification Scheme 2023. Collection method: clinical testing. Allele origin: germline.
Comment: The p.P380L variant (also known as c.1139C>T), located in coding exon 9 of the FBN2 gene, results from a C to T substitution at nucleotide position 1139. The proline at codon 380 is replaced by leucine, an amino acid with similar properties. This amino acid position is well conserved in available vertebrate species. In addition, the in silico prediction for this alteration is inconclusive. Based on the available evidence, the clinical significance of this variant remains unclear.

GeneDx
Classification: Uncertain significance. Last evaluated: 2025-05-28. Review status: criteria provided, single submitter. Criteria: GeneDx Variant Classification Process June 2021. Collection method: clinical testing. Allele origin: germline. Affected: yes.
Comment: Has not been previously published as pathogenic or benign to our knowledge; In silico analysis supports that this missense variant has a deleterious effect on protein structure/function

NM_001999.4(FBN2):c.1139C>T (p.Pro380Leu)

Gene: FBN2 (fibrillin 2; minus strand). Cytogenetic location: 5q23.3.
Variant type: single nucleotide variant.
Coding change: c.1139C>T on transcript NM_001999.4 (MANE Select); coding-DNA position 1139, C replaced by T.
Protein change: p.Pro380Leu; replaces proline 380 with leucine.
Molecular consequence: missense variant.
Genome position (GRCh38, 1-based): chr5:128,395,214, G>A on the plus strand (C>T on the coding strand, the complement: FBN2 is on the minus strand). VCF-style: chr5-128395214-G-A. GRCh37 (hg19) VCF-style: chr5-127730907-G-A.
Other names: short protein forms P380L.
Identifiers: ClinVar variation 411831 (VCV000411831.13), dbSNP rs139189178, ClinGen allele CA3395874.